The following is an entry in ClinVar:

ClinVar aggregate classification (germline): Uncertain significance (1 of 4 stars; one submission).

Conditions:
Early-infantile DEE. Also called: Early infantile epileptic encephalopathy with suppression bursts; Early infantile epileptic encephalopathy; Ohtahara syndrome. Identifiers: Orphanet 1934, MedGen C0393706, MONDO:0800491.

Submission:

Labcorp Genetics (formerly Invitae), Labcorp
Classification: Uncertain significance for Early-infantile DEE. Last evaluated: 2025-08-09. Review status: criteria provided, single submitter. Criteria: Invitae Variant Classification Sherloc (09022015). Collection method: clinical testing. Allele origin: germline.
Comment: This sequence change replaces valine, which is neutral and non-polar, with alanine, which is neutral and non-polar, at codon 901 of the SCN1A protein (p.Val901Ala). This variant is not present in population databases (gnomAD no frequency). This variant has not been reported in the literature in individuals affected with SCN1A-related conditions. Invitae Evidence Modeling of protein sequence and biophysical properties (such as structural, functional, and spatial information, amino acid conservation, physicochemical variation, residue mobility, and thermodynamic stability) indicates that this missense variant is expected to disrupt SCN1A protein function with a positive predictive value of 95%. In summary, the available evidence is currently insufficient to determine the role of this variant in disease. Therefore, it has been classified as a Variant of Uncertain Significance.

NM_001165963.4(SCN1A):c.2702T>C (p.Val901Ala)

Gene: SCN1A (sodium voltage-gated channel alpha subunit 1; minus strand). Cytogenetic location: 2q24.3.
Variant type: single nucleotide variant.
Coding change: c.2702T>C on transcript NM_001165963.4 (MANE Select); coding-DNA position 2702, T replaced by C.
Protein change: p.Val901Ala; replaces valine 901 with alanine.
Molecular consequence: missense variant. On other transcripts: non-coding transcript variant (1).
Genome position (GRCh38, 1-based): chr2:166,038,020, A>G on the plus strand (T>C on the coding strand, the complement: SCN1A is on the minus strand). VCF-style: chr2-166038020-A-G. GRCh37 (hg19) VCF-style: chr2-166894530-A-G.
Other names: c.2618T>C, p.Val873Ala (NM_001165964.3, NM_001353957.2, NM_001353958.2); c.2702T>C, p.Val901Ala (NM_001202435.3, NM_001353948.2); c.2669T>C, p.Val890Ala (NM_001353949.2, NM_001353950.2, NM_001353951.2 and 2 more transcripts); c.2666T>C, p.Val889Ala (NM_001353954.2, NM_001353955.2); c.2615T>C, p.Val872Ala (NM_001353960.2); c.260T>C, p.Val87Ala (NM_001353961.2); short protein forms V872A, V873A, V87A, V889A, V890A, V901A.
Identifiers: ClinVar variation 4800276 (VCV004800276.1).